The following is an entry in ClinVar:

ClinVar aggregate classification (germline): Benign. Review status: criteria provided, multiple submitters, no conflicts (2 of 4 stars). 3 submissions from 3 submitters: Benign (3). Last evaluated 2021-06-10.

Conditions:
Miyoshi muscular dystrophy 1 (MMD1). Identifiers: Orphanet 45448, MedGen C4551973, MONDO:0024545, OMIM 254130.

Allele frequency attached by ClinVar (database versions not stated): gnomAD 0.17633 and 0.17827; TOPMed 0.18259; 1000 Genomes Project 30x 0.19644; gnomAD exomes 0.20053; ExAC 0.20101; 1000 Genomes Project 0.20547.
gnomAD v4.1: 275,390 of 1,496,822 alleles (18%); highest among the groups gnomAD compares: East Asian, 43%; 27,172 homozygotes.

Submissions (3):

Genome-Nilou Lab
Classification: Benign for Miyoshi muscular dystrophy 1. Last evaluated: 2021-06-10. Review status: criteria provided, single submitter. Criteria: ACMG Guidelines, 2015. Collection method: clinical testing. Allele origin: germline. Affected: no.

GeneDx
Classification: Benign. Last evaluated: 2018-06-14. Review status: criteria provided, single submitter. Criteria: GeneDx Variant Classification (06012015). Collection method: clinical testing. Allele origin: germline. Affected: yes.
Comment: This variant is considered likely benign or benign based on one or more of the following criteria: it is a conservative change, it occurs at a poorly conserved position in the protein, it is predicted to be benign by multiple in silico algorithms, and/or has population frequency not consistent with disease.

Breakthrough Genomics
Classification: Benign. Review status: criteria provided, single submitter. Criteria: ACMG Guidelines, 2015. Collection method: not provided. Allele origin: germline. Inheritance: Autosomal recessive inheritance. Affected: yes.

NM_001130987.2(DYSF):c.-30G>A

Gene: DYSF (dysferlin; plus strand). Cytogenetic location: 2p13.2.
Variant type: single nucleotide variant.
Coding change: c.-30G>A on transcript NM_001130987.2 (MANE Select); 30 bases upstream of the start codon, G replaced by A.
Molecular consequence: 5 prime UTR variant. On other transcripts: intron variant (7).
Genome position (GRCh38, 1-based): chr2:71,466,813, G>A. VCF-style: chr2-71466813-G-A. GRCh37 (hg19) VCF-style: chr2-71693943-G-A.
Other names: c.-30G>A (NM_001130455.2, NM_001130982.2, NM_001130983.2 and 3 more transcripts); c.88+12727G>A (NM_001130979.2, NM_001130981.2, NM_001130980.2 and 4 more transcripts).
Identifiers: ClinVar variation 681329 (VCV000681329.5), dbSNP rs61333801, ClinGen allele CA1705195.
Genomic context (GRCh38, chr2:71,466,813, plus strand): 5'-GAGCCGGGCGCTTGCTGGGTGGGTGCTCGGGCCCGGTGCTCCCGCTCCCGCCCTGACTGC[G>A]CGCCTGTGTGCCGCCGGGGCTGCCCAGCCATGCTGTGCTGCCTGCTGGTGAGGGCCAGCA-3'